The following is an entry in ClinVar:

ClinVar aggregate classification (germline): Uncertain significance. Review status: criteria provided, multiple submitters, no conflicts (2 of 4 stars). 2 submissions from 2 submitters: Uncertain significance (2). Last evaluated 2022-10-03.

Allele frequency attached by ClinVar (database versions not stated): gnomAD exomes 0.00001 and 0.00002; ExAC 0.00005; gnomAD 0.00005; TOPMed 0.00008; ESP Exome Variant Server 0.00015.

Submissions (2):

Ambry Genetics
Classification: Uncertain significance. Last evaluated: 2022-10-03. Review status: criteria provided, single submitter. Criteria: Ambry Variant Classification Scheme 2023. Collection method: clinical testing. Allele origin: germline.

Labcorp Genetics (formerly Invitae), Labcorp
Classification: Uncertain significance. Last evaluated: 2022-09-07. Review status: criteria provided, single submitter. Criteria: Invitae Variant Classification Sherloc (09022015). Collection method: clinical testing. Allele origin: germline.
Comment: This variant has not been reported in the literature in individuals affected with MICAL1-related conditions. In summary, the available evidence is currently insufficient to determine the role of this variant in disease. Therefore, it has been classified as a Variant of Uncertain Significance. Algorithms developed to predict the effect of missense changes on protein structure and function output the following: SIFT: "Tolerated"; PolyPhen-2: "Benign"; Align-GVGD: "Class C0". The arginine amino acid residue is found in multiple mammalian species, which suggests that this missense change does not adversely affect protein function. ClinVar contains an entry for this variant (Variation ID: 1507171). This variant is present in population databases (rs149065565, gnomAD 0.008%). This sequence change replaces glutamine, which is neutral and polar, with arginine, which is basic and polar, at codon 43 of the MICAL1 protein (p.Gln43Arg).

NM_022765.4(MICAL1):c.71A>G (p.Gln24Arg)

Gene: MICAL1 (microtubule associated monooxygenase, calponin and LIM domain containing 1; minus strand). Cytogenetic location: 6q21.
Variant type: single nucleotide variant.
Coding change: c.71A>G on transcript NM_022765.4 (MANE Select); coding-DNA position 71, A replaced by G.
Protein change: p.Gln24Arg; replaces glutamine 24 with arginine.
Molecular consequence: missense variant.
Genome position (GRCh38, 1-based): chr6:109,454,126, T>C on the plus strand (A>G on the coding strand, the complement: MICAL1 is on the minus strand). VCF-style: chr6-109454126-T-C. GRCh37 (hg19) VCF-style: chr6-109775329-T-C.
Other names: c.71A>G (NM_022765.3); c.71A>G, p.Gln24Arg (NM_001159291.2); c.128A>G, p.Gln43Arg (NM_001286613.2); short protein forms Q24R, Q43R.
Identifiers: ClinVar variation 1507171 (VCV001507171.7), dbSNP rs149065565, ClinGen allele CA3953900.